The following is an entry in ClinVar:

NC_000001.11:g.230703157G>A

Gene: AGT (angiotensinogen; minus strand). Cytogenetic location: 1q42.2.
Variant type: single nucleotide variant.
Genome position: GRCh38 VCF-style: chr1-230703157-G-A. GRCh37 (hg19) VCF-style: chr1-230838903-G-A.
Other names: NM_000029.3:c.1442C>T.
Identifiers: ClinVar variation 791842 (VCV000791842.13), dbSNP rs143479528, ClinGen allele CA1448021.

ClinVar aggregate classification (germline): Likely benign. Review status: criteria provided, multiple submitters, no conflicts (2 of 4 stars). 3 submissions from 3 submitters: Likely benign (2). 1 of the submissions does not count toward it. Last evaluated 2025-12-08.

Conditions:
Renal tubular dysgenesis. Also called: Renotubular dysgenesis. Identifiers: Orphanet 3033, MedGen C0266313, MONDO:0017609, HP:0008660.
AGT-related disorder. Also called: AGT-related condition.

Allele frequency attached by ClinVar (database versions not stated): TOPMed 0.00113; gnomAD 0.00114 and 0.00123; 1000 Genomes Project 0.00140; 1000 Genomes Project 30x 0.00156; ESP Exome Variant Server 0.00177.

Submissions (3):

Labcorp Genetics (formerly Invitae), Labcorp
Classification: Likely benign. Last evaluated: 2025-12-08. Review status: criteria provided, single submitter. Criteria: Invitae Variant Classification Sherloc (09022015). Collection method: clinical testing. Allele origin: germline.

Illumina Laboratory Services, Illumina
Classification: Likely benign for Renal tubular dysgenesis of genetic origin. Last evaluated: 2018-01-13. Review status: criteria provided, single submitter. Criteria: ICSL Variant Classification Criteria 13 December 2019. Collection method: clinical testing. Allele origin: germline.
Comment: This variant was observed in the ICSL laboratory as part of a predisposition screen in an ostensibly healthy population. It had not been previously curated by ICSL or reported in the Human Gene Mutation Database (HGMD: prior to June 1st, 2018), and was therefore a candidate for classification through an automated scoring system. Utilizing variant allele frequency, disease prevalence and penetrance estimates, and inheritance mode, an automated score was calculated to assess if this variant is too frequent to cause the disease. Based on the score and internal cut-off values, a variant classified as likely benign is not then subjected to further curation. The score for this variant resulted in a classification of likely benign for this disease.

PreventionGenetics, part of Exact Sciences
Classification: Likely benign for AGT-related condition. Last evaluated: 2024-04-04. Review status: no assertion criteria provided. Collection method: clinical testing. Allele origin: germline. Not counted in ClinVar's aggregate classification.
Comment: This variant is classified as likely benign based on ACMG/AMP sequence variant interpretation guidelines (Richards et al. 2015 PMID: 25741868, with internal and published modifications).